The following is an entry in ClinVar:

NM_003011.4(SET):c.268C>T (p.Pro90Ser)

Gene: SET (SET nuclear proto-oncogene; plus strand). Cytogenetic location: 9q34.11.
Variant type: single nucleotide variant.
Coding change: c.268C>T on transcript NM_003011.4 (MANE Select); coding-DNA position 268, C replaced by T.
Protein change: p.Pro90Ser; replaces proline 90 with serine.
Molecular consequence: missense variant.
Genome position (GRCh38, 1-based): chr9:128,691,994, C>T. VCF-style: chr9-128691994-C-T. GRCh37 (hg19) VCF-style: chr9-131454273-C-T.
Other names: c.307C>T, p.Pro103Ser (NM_001122821.2, NM_001374326.1); c.241C>T, p.Pro81Ser (NM_001248000.2); c.235C>T, p.Pro79Ser (NM_001248001.2); short protein forms P103S, P79S, P81S, P90S.
Identifiers: ClinVar variation 1304282 (VCV001304282.4), dbSNP rs2132251340, ClinGen allele CA375059509.

ClinVar aggregate classification (germline): Uncertain significance (1 of 4 stars; one submission).

Submission:

GeneDx
Classification: Uncertain significance. Last evaluated: 2024-01-29. Review status: criteria provided, single submitter. Criteria: GeneDx Variant Classification Process June 2021. Collection method: clinical testing. Allele origin: germline. Affected: yes.
Comment: Not observed at significant frequency in large population cohorts (gnomAD); In silico analysis supports that this missense variant has a deleterious effect on protein structure/function; Has not been previously published as pathogenic or benign to our knowledge